The following is an entry in ClinVar:

NM_001918.5(DBT):c.1017G>A (p.Lys339=)

Gene: DBT (dihydrolipoamide branched chain transacylase E2; minus strand). Cytogenetic location: 1p21.2.
Variant type: single nucleotide variant.
Coding change: c.1017G>A on transcript NM_001918.5 (MANE Select); coding-DNA position 1017, G replaced by A.
Protein change: p.Lys339=; no amino-acid change (lysine 339 retained).
Molecular consequence: synonymous variant.
Genome position (GRCh38, 1-based): chr1:100,210,694, C>T on the plus strand (G>A on the coding strand, the complement: DBT is on the minus strand). VCF-style: chr1-100210694-C-T. GRCh37 (hg19) VCF-style: chr1-100676250-C-T.
Other names: c.1017G>A (NM_001918.4, NM_001918.2).
Identifiers: ClinVar variation 550402 (VCV000550402.15), dbSNP rs1490661508, ClinGen allele CA419099915.

ClinVar aggregate classification (germline): Pathogenic/Likely pathogenic. Review status: criteria provided, multiple submitters, no conflicts (2 of 4 stars). 7 submissions from 7 submitters: Pathogenic (2); Likely pathogenic (4). 1 of the submissions does not count toward it. Last evaluated 2026-06-11.

Conditions:
Maple syrup urine disease type 2 (MSUD2). Also called: Maple syrup urine disease, type II. Identifiers: MedGen C1855371, MONDO:0023693, OMIM 620699.
Maple syrup urine disease (MSUD). Identifiers: Orphanet 511, MedGen C0024776, MeSH D008375, MONDO:0009563. Disease mechanism: loss of function.
DBT-related disorder. Also called: DBT-related condition.
Maple syrup urine disease type 1A (MSUD1A). Also called: MSUD type 1A. Identifiers: MedGen C1855369, MONDO:0023691, OMIM 248600.

Allele frequency attached by ClinVar (database versions not stated): gnomAD exomes below 0.00001; gnomAD 0.00001; TOPMed 0.00002.
gnomAD v4.1: 5 of 1,612,978 alleles (0.00031%); highest among the groups gnomAD compares: East Asian, 0.0022%; no homozygotes.

Submissions (7):

GeneDx
Classification: Pathogenic. Last evaluated: 2026-06-11. Review status: criteria provided, single submitter. Criteria: GeneDx Variant Classification Process June 2021. Collection method: clinical testing. Allele origin: germline.
Comment: RNA studies found this variant is associated with abnormal splicing (PMID: 1547285); Not observed at significant frequency in large population cohorts (gnomAD); In silico analysis supports a deleterious effect on protein structure/function; Also known as p.(K278=); This variant is associated with the following publications: (PMID: 25525159, 1547285)

PreventionGenetics, part of Exact Sciences
Classification: Likely pathogenic for DBT-related condition. Last evaluated: 2026-01-27. Review status: criteria provided, single submitter. Criteria: ACMG Guidelines, 2015. Collection method: clinical testing. Allele origin: germline.
Comment: The DBT c.1017G>A variant is not predicted to result in an amino acid change (p.=). However, this variant is the last nucleotide of exon 8, and this nucleotide change is predicted to abolish the canonical splice donor site by available splicing prediction programs (Alamut Visual Plus v1.6.1). This variant was reported in the compound heterozygous state in an individual with maple syrup urine disease and was shown to result in aberrant splicing (Herring et al. 1992. PubMed ID: 1547285). This variant is reported in 0.0015% of alleles in individuals of European (Non-Finnish) descent in gnomAD. This variant is interpreted as likely pathogenic.

Labcorp Genetics (formerly Invitae), Labcorp
Classification: Pathogenic for Maple syrup urine disease. Last evaluated: 2025-09-14. Review status: criteria provided, single submitter. Criteria: Invitae Variant Classification Sherloc (09022015). Collection method: clinical testing. Allele origin: germline.
Comment: This sequence change affects codon 339 of the DBT mRNA. It is a 'silent' change, meaning that it does not change the encoded amino acid sequence of the DBT protein. This variant also falls at the last nucleotide of exon 8, which is part of the consensus splice site for this exon. This variant is present in population databases (no rsID available, gnomAD 0.002%). This variant has been observed in individual(s) with Maple syrup urine disease (PMID: 1547285; internal data). In at least one individual the data is consistent with being in trans (on the opposite chromosome) from a pathogenic variant. This variant is also known as G1002 to A, lysine 278. ClinVar contains an entry for this variant (Variation ID: 550402). Studies have shown that this variant alters DBT gene expression (PMID: 1547285). Variants that disrupt the consensus splice site are a relatively common cause of aberrant splicing (PMID: 17576681, 9536098). Algorithms developed to predict the effect of sequence changes on RNA splicing suggest that this variant may disrupt the consensus splice site. For these reasons, this variant has been classified as Pathogenic.

Revvity Omics, Revvity
Classification: Likely pathogenic for Maple syrup urine disease type 1A. Last evaluated: 2025-04-15. Review status: criteria provided, single submitter. Criteria: ACMG Guidelines, 2015. Collection method: clinical testing. Allele origin: germline.

Blueprint Genetics
Classification: Likely pathogenic for DBT-related disorders. Last evaluated: 2022-08-03. Review status: criteria provided, single submitter. Criteria: ACMG Guidelines, 2015. Collection method: clinical testing. Allele origin: germline. Affected: yes. Observed: 4 variant alleles.

Institute of Human Genetics, Clinical Exome/Genome Diagnostics Group, University Hospital Bonn
Classification: Likely pathogenic for Maple syrup urine disease type 2. Last evaluated: 2019-09-19. Review status: criteria provided, single submitter. Criteria: ACMG Guidelines, 2015. Collection method: clinical testing. Allele origin: paternal. Affected: yes.

Counsyl
Classification: Uncertain significance for Maple syrup urine disease type 1A. Last evaluated: 2017-01-24. Review status: no assertion criteria provided. Collection method: clinical testing. Allele origin: unknown. Not counted in ClinVar's aggregate classification.

Literature cited by the submitters: PubMed 1547285 (cited by Labcorp Genetics (formerly Invitae), Labcorp and Counsyl); PubMed 17576681 (cited by Labcorp Genetics (formerly Invitae), Labcorp); PubMed 9536098 (cited by Labcorp Genetics (formerly Invitae), Labcorp); PubMed 25525159 (cited by Counsyl).